The following is an entry in ClinVar:

NM_032043.3(BRIP1):c.2119C>A (p.Arg707Ser)

Gene: BRIP1 (BRCA1 interacting DNA helicase 1; minus strand). Cytogenetic location: 17q23.2.
Variant type: single nucleotide variant.
Coding change: c.2119C>A on transcript NM_032043.3 (MANE Select); coding-DNA position 2119, C replaced by A.
Protein change: p.Arg707Ser; replaces arginine 707 with serine.
Molecular consequence: missense variant.
Genome position (GRCh38, 1-based): chr17:61,744,570, G>T on the plus strand (C>A on the coding strand, the complement: BRIP1 is on the minus strand). VCF-style: chr17-61744570-G-T. GRCh37 (hg19) VCF-style: chr17-59821931-G-T.
Other names: short protein forms R707S.
Identifiers: ClinVar variation 640139 (VCV000640139.9), dbSNP rs764803896, ClinGen allele CA400483312.

ClinVar aggregate classification (germline): Uncertain significance (1 of 4 stars; one submission).

Conditions:
Familial cancer of breast. Also called: hereditary breast carcinoma; BREAST CANCER, FAMILIAL; Hereditary breast cancer. Identifiers: Orphanet 227535, MedGen C0346153, MONDO:0016419, OMIM 114480. Disease mechanism: loss of function.
Fanconi anemia complementation group J. Also called: BRIP1-Related Fanconi Anemia. Identifiers: Orphanet 84, MedGen C1836860, MONDO:0012187, OMIM 609054.

Submission:

Labcorp Genetics (formerly Invitae), Labcorp
Classification: Uncertain significance for Familial cancer of breast; Fanconi anemia complementation group J. Last evaluated: 2018-07-05. Review status: criteria provided, single submitter. Criteria: Invitae Variant Classification Sherloc (09022015). Collection method: clinical testing. Allele origin: germline.
Comment: In summary, the available evidence is currently insufficient to determine the role of this variant in disease. Therefore, it has been classified as a Variant of Uncertain Significance. Algorithms developed to predict the effect of missense changes on protein structure and function are either unavailable or do not agree on the potential impact of this missense change (SIFT: "Tolerated"; PolyPhen-2: "Probably Damaging"; Align-GVGD: "Class C0"). This variant has not been reported in the literature in individuals with BRIP1-related disease. This variant is not present in population databases (ExAC no frequency). This sequence change replaces arginine with serine at codon 707 of the BRIP1 protein (p.Arg707Ser). The arginine residue is highly conserved and there is a moderate physicochemical difference between arginine and serine.